The following is an entry in ClinVar:

ClinVar aggregate classification (germline): Uncertain significance (1 of 4 stars; one submission).

Conditions:
MHC class I deficiency. Identifiers: Orphanet 34592, MedGen C6024714, MONDO:0011476.

Allele frequency attached by ClinVar (database versions not stated): gnomAD exomes below 0.00001 and 0.00001; gnomAD 0.00001.

Submission:

Labcorp Genetics (formerly Invitae), Labcorp
Classification: Uncertain significance for MHC class I deficiency 1. Last evaluated: 2023-12-11. Review status: criteria provided, single submitter. Criteria: Invitae Variant Classification Sherloc (09022015). Collection method: clinical testing. Allele origin: germline.
Comment: This sequence change replaces alanine, which is neutral and non-polar, with valine, which is neutral and non-polar, at codon 86 of the TAP2 protein (p.Ala86Val). This variant is present in population databases (no rsID available, gnomAD no frequency). This variant has not been reported in the literature in individuals affected with TAP2-related conditions. ClinVar contains an entry for this variant (Variation ID: 1485509). Algorithms developed to predict the effect of missense changes on protein structure and function output the following: SIFT: "Not Available"; PolyPhen-2: "Not Available"; Align-GVGD: "Not Available". The valine amino acid residue is found in multiple mammalian species, which suggests that this missense change does not adversely affect protein function. In summary, the available evidence is currently insufficient to determine the role of this variant in disease. Therefore, it has been classified as a Variant of Uncertain Significance.

NM_001290043.2(TAP2):c.257C>T (p.Ala86Val)

Gene: TAP2 (transporter 2, ATP binding cassette subfamily B member; minus strand). Cytogenetic location: 6p21.32.
Variant type: single nucleotide variant.
Coding change: c.257C>T on transcript NM_001290043.2 (MANE Select); coding-DNA position 257, C replaced by T.
Protein change: p.Ala86Val; replaces alanine 86 with valine.
Molecular consequence: missense variant.
Genome position (GRCh38, 1-based): chr6:32,837,977, G>A on the plus strand (C>T on the coding strand, the complement: TAP2 is on the minus strand). VCF-style: chr6-32837977-G-A. GRCh37 (hg19) VCF-style: chr6-32805754-G-A.
Other names: c.257C>T, p.Ala86Val (NM_000544.3, NM_018833.3); short protein forms A86V.
Identifiers: ClinVar variation 1485509 (VCV001485509.4), dbSNP rs950956694, ClinGen allele CA137005091.
Genomic context (GRCh38, chr6:32,837,977, plus strand): 5'-TACCCCACCAGCAGCCAGCTCCAAGGGGCTGAAGCGACTCTGGCTGGGGGAGCACGTGAG[G>A]CCCCCGCGACCAGGGCTCTCAGGGAGACAGTCAGGGGGGTGGCCAGACAGAGCGGGAGCA-3'
Protein context (NP_001276972.1, residues 76-96): TVSLRALVAG[Ala86Val]SRAPPARVAS